The following is an entry in ClinVar:

NM_003900.5(SQSTM1):c.1062G>T (p.Gln354His)

Gene: SQSTM1 (sequestosome 1; plus strand). Cytogenetic location: 5q35.3.
Variant type: single nucleotide variant.
Coding change: c.1062G>T on transcript NM_003900.5 (MANE Select); coding-DNA position 1062, G replaced by T.
Protein change: p.Gln354His; replaces glutamine 354 with histidine.
Molecular consequence: missense variant.
Genome position (GRCh38, 1-based): chr5:179,833,679, G>T. VCF-style: chr5-179833679-G-T. GRCh37 (hg19) VCF-style: chr5-179260679-G-T.
Other names: c.810G>T, p.Gln270His (NM_001142298.2, NM_001142299.2); short protein forms Q270H, Q354H.
Identifiers: ClinVar variation 2923831 (VCV002923831.3), dbSNP rs976860428, ClinGen allele CA362452695.
Genomic context (GRCh38, chr5:179,833,679, plus strand): 5'-AGATGATGACTGGACCCATCTGTCTTCAAAAGAAGTGGACCCGTCTACAGGTGAACTCCA[G>T]TCCCTACAGATGCCAGAATCCGAAGGGCCAAGCTCTCTGGACCCCTCCCAGGAGGGACCC-3'
Protein context (NP_003891.1, residues 344-364): KEVDPSTGEL[Gln354His]SLQMPESEGP

ClinVar aggregate classification (germline): Uncertain significance (1 of 4 stars; one submission).

Conditions:
Paget disease of bone 2, early-onset (PDB2). Also called: Paget disease of bone 2. Identifiers: MedGen C4085251, MONDO:0011183, OMIM 602080.
Frontotemporal dementia and/or amyotrophic lateral sclerosis 1 (FTDALS1). Also called: Frontotemporal dementia with motor neuron disease 1; C9orf72 Frontotemporal Dementia and/or Amyotrophic Lateral Sclerosis. Identifiers: Orphanet 275872, MedGen C5779877, MONDO:0007105, OMIM 105550.

gnomAD v4.1: 7 of 1,614,074 alleles (0.00043%); highest among the groups gnomAD compares: Non-Finnish European, 0.00059%; no homozygotes.

Submission:

Labcorp Genetics (formerly Invitae), Labcorp
Classification: Uncertain significance for Paget disease of bone 2, early-onset; Frontotemporal dementia and/or amyotrophic lateral sclerosis 1. Last evaluated: 2024-01-19. Review status: criteria provided, single submitter. Criteria: Invitae Variant Classification Sherloc (09022015). Collection method: clinical testing. Allele origin: germline.
Comment: This sequence change replaces glutamine, which is neutral and polar, with histidine, which is basic and polar, at codon 354 of the SQSTM1 protein (p.Gln354His). This variant is present in population databases (no rsID available, gnomAD 0.0009%). This variant has not been reported in the literature in individuals affected with SQSTM1-related conditions. Advanced modeling of protein sequence and biophysical properties (such as structural, functional, and spatial information, amino acid conservation, physicochemical variation, residue mobility, and thermodynamic stability) performed at Invitae indicates that this missense variant is expected to disrupt SQSTM1 protein function with a positive predictive value of 80%. In summary, the available evidence is currently insufficient to determine the role of this variant in disease. Therefore, it has been classified as a Variant of Uncertain Significance.